The following is an entry in ClinVar:

NM_001270.4(CHD1):c.4679G>A (p.Arg1560Gln)

Gene: CHD1 (chromodomain helicase DNA binding protein 1; minus strand). Cytogenetic location: 5q15.
Variant type: single nucleotide variant.
Coding change: c.4679G>A on transcript NM_001270.4 (MANE Select); coding-DNA position 4679, G replaced by A.
Protein change: p.Arg1560Gln; replaces arginine 1560 with glutamine.
Molecular consequence: missense variant. On other transcripts: non-coding transcript variant (2).
Genome position (GRCh38, 1-based): chr5:98,858,288, C>T on the plus strand (G>A on the coding strand, the complement: CHD1 is on the minus strand). VCF-style: chr5-98858288-C-T. GRCh37 (hg19) VCF-style: chr5-98193992-C-T.
Other names: c.4943G>A, p.Arg1648Gln (NM_001364113.3); c.4679G>A, p.Arg1560Gln (NM_001376194.2); short protein forms R1648Q, R1560Q.
Identifiers: ClinVar variation 2409802 (VCV002409802.26), dbSNP rs72775611, ClinGen allele CA3355592.

ClinVar aggregate classification (germline): Conflicting classifications of pathogenicity. Review status: criteria provided, conflicting classifications (1 of 4 stars). 2 submissions from 2 submitters: Uncertain significance (1); Likely benign (1). Last evaluated 2024-07-01.

Allele frequency attached by ClinVar (database versions not stated): 1000 Genomes Project 30x 0.00016; TOPMed 0.00023; gnomAD 0.00028; ESP Exome Variant Server 0.00046.
gnomAD v4.1: 716 of 1,612,858 alleles (0.044%); highest among the groups gnomAD compares: Non-Finnish European, 0.057%; no homozygotes.

Submissions (2):

CeGaT Center for Human Genetics Tuebingen
Classification: Likely benign. Last evaluated: 2024-07-01. Review status: criteria provided, single submitter. Criteria: CeGaT Center For Human Genetics Tuebingen Variant Classification Criteria Version 2. Collection method: clinical testing. Allele origin: germline. Affected: yes. Observed: 3 variant alleles.
Comment: CHD1: BS1

Ambry Genetics
Classification: Uncertain significance. Last evaluated: 2021-06-18. Review status: criteria provided, single submitter. Criteria: Ambry Variant Classification Scheme 2023. Collection method: clinical testing. Allele origin: germline.